The following is an entry in ClinVar:

ClinVar aggregate classification (germline): Uncertain significance. Review status: criteria provided, multiple submitters, no conflicts (2 of 4 stars). 2 submissions from 2 submitters: Uncertain significance (2). Last evaluated 2025-03-08.

Conditions:
Hereditary cancer-predisposing syndrome. Also called: Tumor predisposition; Neoplastic Syndromes, Hereditary; Hereditary neoplastic syndrome; Hereditary Cancer Syndrome. Identifiers: Orphanet 140162, MedGen C0027672, MeSH D009386, MONDO:0015356.

gnomAD v4.1: 1 of 1,609,856 alleles (0.000062%); highest among the groups gnomAD compares: South Asian, 0.0011%; no homozygotes.

Submissions (2):

Ambry Genetics
Classification: Uncertain significance for Hereditary cancer-predisposing syndrome. Last evaluated: 2025-03-08. Review status: criteria provided, single submitter. Criteria: Ambry Variant Classification Scheme 2023. Collection method: clinical testing. Allele origin: germline.
Comment: The p.R1691L variant (also known as c.5072G>T), located in coding exon 38 of the POLE gene, results from a G to T substitution at nucleotide position 5072. The arginine at codon 1691 is replaced by leucine, an amino acid with dissimilar properties. This amino acid position is conserved. In addition, the in silico prediction for this alteration is inconclusive. Based on the available evidence, the clinical significance of this variant remains unclear.

Labcorp Genetics (formerly Invitae), Labcorp
Classification: Uncertain significance. Last evaluated: 2020-10-21. Review status: criteria provided, single submitter. Criteria: Invitae Variant Classification Sherloc (09022015). Collection method: clinical testing. Allele origin: germline.
Comment: In summary, the available evidence is currently insufficient to determine the role of this variant in disease. Therefore, it has been classified as a Variant of Uncertain Significance. Algorithms developed to predict the effect of missense changes on protein structure and function are either unavailable or do not agree on the potential impact of this missense change (SIFT: "Tolerated"; PolyPhen-2: "Possibly Damaging"; Align-GVGD: "Class C0"). This variant has not been reported in the literature in individuals with POLE-related conditions. This variant is not present in population databases (ExAC no frequency). This sequence change replaces arginine with leucine at codon 1691 of the POLE protein (p.Arg1691Leu). The arginine residue is highly conserved and there is a moderate physicochemical difference between arginine and leucine.

NM_006231.4(POLE):c.5072G>T (p.Arg1691Leu)

Gene: POLE (DNA polymerase epsilon, catalytic subunit; minus strand). Cytogenetic location: 12q24.33.
Variant type: single nucleotide variant.
Coding change: c.5072G>T on transcript NM_006231.4 (MANE Select); coding-DNA position 5072, G replaced by T.
Protein change: p.Arg1691Leu; replaces arginine 1691 with leucine.
Molecular consequence: missense variant.
Genome position (GRCh38, 1-based): chr12:132,642,278, C>A on the plus strand (G>T on the coding strand, the complement: POLE is on the minus strand). VCF-style: chr12-132642278-C-A. GRCh37 (hg19) VCF-style: chr12-133218864-C-A.
Other names: c.5072G>T (NM_006231.2); short protein forms R1691L.
Identifiers: ClinVar variation 1017790 (VCV001017790.9), dbSNP rs1235110857, ClinGen allele CA387377027.